The following is an entry in ClinVar:

ClinVar aggregate classification (germline): Uncertain significance (1 of 4 stars; one submission).

Conditions:
Familial intrahepatic cholestasis. Identifiers: Orphanet 284385, MedGen CN296401, MONDO:0017290.

Submission:

Genomenon, Inc
Classification: Uncertain significance for Familial intrahepatic cholestasis. Last evaluated: 2026-04-14. Review status: criteria provided, single submitter. Criteria: Genomenon Sequence Variant Interpretation Standards - Updated. Collection method: curation. Allele origin: germline. Affected: yes.
Comment: ABCB11 p.Phe548Tyr (c.1643T>A) is a missense variant that changes the amino acid at residue 548 from Phenylalanine to Tyrosine. This variant has been observed in at least one proband with an ABCB11-related disorder (PMID:16641580). At least one splicing study demonstrated no effect on splicing (PMID:19101985). It is absent or not present at a significant frequency in gnomAD. In silico models predict that this variant is possibly or probably damaging. In conclusion, we classify ABCB11 p.Phe548Tyr (c.1643T>A) as a variant of uncertain significance.

Literature cited by the submitters: PubMed 16641580; PubMed 19101985.

NM_003742.4(ABCB11):c.1643T>A (p.Phe548Tyr)

Gene: ABCB11 (ATP binding cassette subfamily B member 11; minus strand). Cytogenetic location: 2q31.1.
Variant type: single nucleotide variant.
Coding change: c.1643T>A on transcript NM_003742.4 (MANE Select); coding-DNA position 1643, T replaced by A.
Protein change: p.Phe548Tyr; replaces phenylalanine 548 with tyrosine.
Molecular consequence: missense variant.
Genome position (GRCh38, 1-based): chr2:168,970,211, A>T on the plus strand (T>A on the coding strand, the complement: ABCB11 is on the minus strand). VCF-style: chr2-168970211-A-T. GRCh37 (hg19) VCF-style: chr2-169826721-A-T.
Other names: short protein forms F548Y.
Identifiers: ClinVar variation 4845998 (VCV004845998.1).